The following is an entry in ClinVar:

ClinVar aggregate classification (germline): Uncertain significance (1 of 4 stars; one submission).

Submission:

Dasa
Classification: Uncertain significance. Last evaluated: 2025-05-15. Review status: criteria provided, single submitter. Criteria: DASA Assertion Criteria. Collection method: clinical testing. Allele origin: germline.
Comment: NM_206538.4(EMC10):c.526G>C (p.Val176Leu) is a missense variant that results in the substitution of valine with leucine. This variant has been observed in affected individuals with EMC10-related disorders. Also, this variant is absent from population databases. Computational prediction algorithms are consistent with a benign effect. The currently available literature and clinical evidence are not sufficient to establish a definitive association between this variant and the reported condition. Therefore, this variant is classified as a variant of uncertain significance.

NM_206538.4(EMC10):c.526G>C (p.Val176Leu)

Gene: EMC10 (ER membrane protein complex subunit 10; plus strand). Cytogenetic location: 19q13.33.
Variant type: single nucleotide variant.
Coding change: c.526G>C on transcript NM_206538.4 (MANE Select); coding-DNA position 526, G replaced by C.
Protein change: p.Val176Leu; replaces valine 176 with leucine.
Molecular consequence: missense variant.
Genome position (GRCh38, 1-based): chr19:50,480,704, G>C. VCF-style: chr19-50480704-G-C. GRCh37 (hg19) VCF-style: chr19-50983961-G-C.
Other names: c.526G>C, p.Val176Leu (NM_175063.6); short protein forms V176L.
Identifiers: ClinVar variation 4886072 (VCV004886072.2).
Genomic context (GRCh38, chr19:50,480,704, plus strand): 5'-GTGGTGGGCGTGTCGGTGGTGACGCACCCCGGGGGCTGCCGGGGCCATGAGGTGGAGGAC[G>C]TGGACCTGGAGCTGTTCAACACCTCGGTGCAGCTGCAGCCGCCCACCACAGCCCCAGGGT-3'
Protein context (NP_996261.1, residues 166-186): GGCRGHEVED[Val176Leu]DLELFNTSVQ